The following is an entry in ClinVar:

ClinVar aggregate classification (germline): Uncertain significance (1 of 4 stars; one submission).

Conditions:
Hereditary cancer-predisposing syndrome. Also called: Neoplastic Syndromes, Hereditary; Tumor predisposition; Hereditary neoplastic syndrome; Hereditary Cancer Syndrome. Identifiers: Orphanet 140162, MedGen C0027672, MeSH D009386, MONDO:0015356.

Submission:

Ambry Genetics
Classification: Uncertain significance for Hereditary cancer-predisposing syndrome. Last evaluated: 2023-12-07. Review status: criteria provided, single submitter. Criteria: Ambry Variant Classification Scheme 2023. Collection method: clinical testing. Allele origin: germline.
Comment: The p.K1050N variant (also known as c.3150A>C), located in coding exon 21 of the TSC1 gene, results from an A to C substitution at nucleotide position 3150. The lysine at codon 1050 is replaced by asparagine, an amino acid with similar properties. This amino acid position is conserved. In addition, this alteration is predicted to be tolerated by in silico analysis. Since supporting evidence is limited at this time, the clinical significance of this alteration remains unclear.

NM_000368.5(TSC1):c.3150A>C (p.Lys1050Asn)

Gene: TSC1 (TSC complex subunit 1; minus strand). Cytogenetic location: 9q34.13.
Variant type: single nucleotide variant.
Coding change: c.3150A>C on transcript NM_000368.5 (MANE Select); coding-DNA position 3150, A replaced by C.
Protein change: p.Lys1050Asn; replaces lysine 1050 with asparagine.
Molecular consequence: missense variant. On other transcripts: non-coding transcript variant (5).
Genome position (GRCh38, 1-based): chr9:132,896,580, T>G on the plus strand (A>C on the coding strand, the complement: TSC1 is on the minus strand). VCF-style: chr9-132896580-T-G. GRCh37 (hg19) VCF-style: chr9-135771967-T-G.
Other names: c.3147A>C, p.Lys1049Asn (NM_001162426.2, NM_001406597.1, NM_001406598.1 and 2 more transcripts); c.2997A>C, p.Lys999Asn (NM_001162427.2, NM_001406610.1); c.2787A>C, p.Lys929Asn (NM_001362177.2, NM_001406614.1, NM_001406615.1 and 4 more transcripts); c.3150A>C, p.Lys1050Asn (NM_001406592.1, NM_001406593.1, NM_001406594.1 and 2 more transcripts); c.3135A>C, p.Lys1045Asn (NM_001406601.1, NM_001406602.1); c.3132A>C, p.Lys1044Asn (NM_001406603.1, NM_001406604.1); c.3108A>C, p.Lys1036Asn (NM_001406605.1, NM_001406606.1, NM_001406607.1); c.3105A>C, p.Lys1035Asn (NM_001406608.1, NM_001406609.1); and 8 more; short protein forms K1035N, K1036N, K1044N, K1045N, K1049N, K1050N, K699N, K732N.
Identifiers: ClinVar variation 3231315 (VCV003231315.1), dbSNP rs1588287298, ClinGen allele CA375367238.